The following is an entry in ClinVar:

NM_001267550.2(TTN):c.51834_51838dup (p.Thr17280fs)

Genes: TTN-AS1 (TTN antisense RNA 1; plus strand), TTN (titin; minus strand). Cytogenetic location: 2q31.2.
Variant type: Duplication.
Coding change: c.51834_51838dup on transcript NM_001267550.2 (MANE Select); coding-DNA positions 51834 to 51838, 5 bases duplicated (TATTA; older notation c.51834_51838dupTATTA).
Protein change: p.Thr17280fs; shifts the reading frame from threonine 17280.
Molecular consequence: frameshift variant.
Genome position (GRCh38, 1-based): chr2:178,609,472-178,609,476, TAATA duplicated on the plus strand (TATTA on the coding strand, the reverse complement: TTN is on the minus strand). VCF-style (leftmost placement, unchanged base first): chr2-178609471-G-GTAATA. GRCh37 (hg19) VCF-style: chr2-179474198-G-GTAATA.
Other names: c.46911_46915dup, p.Thr15639fs (NM_001256850.1); c.24639_24643dup, p.Thr8215fs (NM_003319.4); c.44130_44134dup, p.Thr14712fs (NM_133378.4); c.25014_25018dup, p.Thr8340fs (NM_133432.3); c.25215_25219dup, p.Thr8407fs (NM_133437.4); short protein forms T14712fs, T15639fs, T17280fs, T8215fs, T8340fs, T8407fs.
Identifiers: ClinVar variation 1066932 (VCV001066932.7), dbSNP rs2154198494, ClinGen allele CA2499215427.

ClinVar aggregate classification (germline): Likely pathogenic (1 of 4 stars; one submission).

Conditions:
Dilated cardiomyopathy 1G (CMD1G). Identifiers: Orphanet 154, MedGen C1858763, MONDO:0011400, OMIM 604145.
Autosomal recessive limb-girdle muscular dystrophy type 2J (LGMDR10). Also called: Limb-girdle muscular dystrophy, type 2J; MUSCULAR DYSTROPHY, LIMB-GIRDLE, AUTOSOMAL RECESSIVE 10. Identifiers: Orphanet 140922, MedGen C1837342, MONDO:0012127, OMIM 608807.

Submission:

Labcorp Genetics (formerly Invitae), Labcorp
Classification: Likely pathogenic for Dilated cardiomyopathy 1G; Autosomal recessive limb-girdle muscular dystrophy type 2J. Last evaluated: 2025-12-22. Review status: criteria provided, single submitter. Criteria: Invitae Variant Classification Sherloc (09022015). Collection method: clinical testing. Allele origin: germline.
Comment: This sequence change creates a premature translational stop signal (p.Thr17280Ilefs*5) in the TTN gene. While this is not anticipated to result in nonsense mediated decay, it is expected to create a truncated TTN protein. This variant is not present in population databases (gnomAD no frequency). This variant has not been reported in the literature in individuals affected with TTN-related conditions. ClinVar contains an entry for this variant (Variation ID: 1066932). Algorithms developed to predict the effect of sequence changes on RNA splicing suggest that this variant may disrupt the consensus splice site. This variant is located in the A band of TTN (PMID: 25589632). Truncating variants in this region are significantly overrepresented in patients affected with dilated cardiomyopathy (PMID: 25589632). Truncating variants in this region have also been reported in individuals affected with autosomal recessive centronuclear myopathy (PMID: 23975875). In summary, the currently available evidence indicates that the variant is pathogenic, but additional data are needed to prove that conclusively. Therefore, this variant has been classified as Likely Pathogenic.

Literature cited by the submitters: PubMed 25589632; PubMed 23975875.